The following is an entry in ClinVar:

NM_003073.5(SMARCB1):c.24del (p.Thr9fs)

Gene: SMARCB1 (SWI/SNF related BAF chromatin remodeling complex subunit B1; plus strand). Cytogenetic location: 22q11.23.
Variant type: Deletion.
Coding change: c.24del on transcript NM_003073.5 (MANE Select); coding-DNA position 24, one base deleted (G; older notation c.24delG).
Protein change: p.Thr9fs; shifts the reading frame from threonine 9.
Molecular consequence: frameshift variant.
Genome position (GRCh38, 1-based): chr22:23,787,193, G deleted. VCF-style (leftmost placement, unchanged base first): chr22-23787192-AG-A. GRCh37 (hg19) VCF-style: chr22-24129379-AG-A.
Other names: c.24del, p.Thr9fs (NM_001007468.3, NM_001317946.2, NM_001362877.2); short protein forms T9fs.
Identifiers: ClinVar variation 4824947 (VCV004824947.1).

ClinVar aggregate classification (germline): Pathogenic (1 of 4 stars; one submission).

Conditions:
Hereditary cancer-predisposing syndrome. Also called: Neoplastic Syndromes, Hereditary; Tumor predisposition; Hereditary Cancer Syndrome; Hereditary neoplastic syndrome. Identifiers: Orphanet 140162, MedGen C0027672, MeSH D009386, MONDO:0015356.

Submission:

Ambry Genetics
Classification: Pathogenic for Hereditary cancer-predisposing syndrome. Last evaluated: 2026-01-21. Review status: criteria provided, single submitter. Criteria: Ambry Variant Classification Scheme 2023. Collection method: clinical testing. Allele origin: germline.
Comment: The c.24delG pathogenic mutation, located in coding exon 1 of the SMARCB1 gene, results from a deletion of one nucleotide at nucleotide position 24, causing a translational frameshift with a predicted alternate stop codon (p.T9Pfs*7). The predicted stop codon occurs in the 5&rsquo; end of thegene. Premature termination codons in the 5&rsquo; end of a gene have been reported to escape nonsense-mediated mRNAdecay and/or lead to re-initiation (Rivas et al. Science. 2015 May 8;348(6235):666-9; Lindeboom et al. Nat Genet. 2016 Oct;48(10):1112-8; Rhee et al. Sci Rep. 2017 May 10;7(1):1653). Direct evidence for this variant is unavailable, however premature termination codons are typically deleterious in nature. This variant is considered to be rare based on population cohorts in the Genome Aggregation Database (gnomAD). Loss-of-function variants in SMARCB1 are known to cause rhabdoid tumor predisposition syndrome; however, such associations with neurodevelopmental disorders are exceedingly rare (Kosho T et al. Am J Med Genet C Semin Med Genet. 2014 Sep;166C(3):262-75; Eaton KW et al. Pediatr Blood Cancer. 2011 Jan;56(1):7-15). Based on the supporting evidence, this variant is pathogenic for SMARCB1-related tumor predisposition syndrome; however, the association of this variant with Coffin-Siris syndrome is unlikely.